The following is an entry in ClinVar:

NM_032119.4(ADGRV1):c.18082C>T (p.Leu6028Phe)

Gene: ADGRV1 (adhesion G protein-coupled receptor V1; plus strand). Cytogenetic location: 5q14.3.
Variant type: single nucleotide variant.
Coding change: c.18082C>T on transcript NM_032119.4 (MANE Select); coding-DNA position 18082, C replaced by T.
Protein change: p.Leu6028Phe; replaces leucine 6028 with phenylalanine.
Molecular consequence: missense variant. On other transcripts: non-coding transcript variant (1).
Genome position (GRCh38, 1-based): chr5:90,985,452, C>T. VCF-style: chr5-90985452-C-T. GRCh37 (hg19) VCF-style: chr5-90281269-C-T.
Other names: short protein forms L6028F.
Identifiers: ClinVar variation 1803224 (VCV001803224.6), dbSNP rs1271107459, ClinGen allele CA360429263.

ClinVar aggregate classification (germline): Uncertain significance. Review status: criteria provided, multiple submitters, no conflicts (2 of 4 stars). 2 submissions from 2 submitters: Uncertain significance (2). Last evaluated 2024-02-23.

Conditions:
Usher syndrome type 2C. Also called: Usher syndrome, type 2B; USHER SYNDROME, TYPE IIC. Identifiers: Orphanet 231178, Orphanet 886, MedGen C2931213, MONDO:0011558, OMIM 605472.

Allele frequency attached by ClinVar (database versions not stated): TOPMed below 0.00001; gnomAD exomes 0.00001.
gnomAD v4.1: 14 of 1,613,708 alleles (0.00087%); highest among the groups gnomAD compares: Non-Finnish European, 0.0011%; no homozygotes.

Submissions (2):

Labcorp Genetics (formerly Invitae), Labcorp
Classification: Uncertain significance. Last evaluated: 2024-02-23. Review status: criteria provided, single submitter. Criteria: Invitae Variant Classification Sherloc (09022015). Collection method: clinical testing. Allele origin: germline.
Comment: This sequence change replaces leucine, which is neutral and non-polar, with phenylalanine, which is neutral and non-polar, at codon 6028 of the ADGRV1 protein (p.Leu6028Phe). This variant is present in population databases (no rsID available, gnomAD 0.0009%). This variant has not been reported in the literature in individuals affected with ADGRV1-related conditions. ClinVar contains an entry for this variant (Variation ID: 1803224). Advanced modeling of protein sequence and biophysical properties (such as structural, functional, and spatial information, amino acid conservation, physicochemical variation, residue mobility, and thermodynamic stability) performed at Invitae indicates that this missense variant is not expected to disrupt ADGRV1 protein function with a negative predictive value of 95%. In summary, the available evidence is currently insufficient to determine the role of this variant in disease. Therefore, it has been classified as a Variant of Uncertain Significance.

Genetics and Molecular Pathology, SA Pathology
Classification: Uncertain significance for Usher syndrome type 2C. Last evaluated: 2020-11-26. Review status: criteria provided, single submitter. Criteria: ACMG Guidelines, 2015. Collection method: clinical testing. Allele origin: germline. Affected: yes.